The following is an entry in ClinVar:

ClinVar aggregate classification (germline): Likely benign (1 of 4 stars; one submission).

Allele frequency attached by ClinVar (database versions not stated): gnomAD exomes below 0.00001.
gnomAD v4.1: 6 of 1,607,942 alleles (0.00037%); highest among the groups gnomAD compares: South Asian, 0.0033%; no homozygotes.

Submission:

CeGaT Center for Human Genetics Tuebingen
Classification: Likely benign. Last evaluated: 2022-12-01. Review status: criteria provided, single submitter. Criteria: CeGaT Center For Human Genetics Tuebingen Variant Classification Criteria Version 2. Collection method: clinical testing. Allele origin: germline. Affected: yes. Observed: 1 variant allele.
Comment: GNPAT: BP4, BP7

NM_014236.4(GNPAT):c.1854A>G (p.Gln618=)

Gene: GNPAT (glyceronephosphate O-acyltransferase; plus strand). Cytogenetic location: 1q42.2.
Variant type: single nucleotide variant.
Coding change: c.1854A>G on transcript NM_014236.4 (MANE Select); coding-DNA position 1854, A replaced by G.
Protein change: p.Gln618=; no amino-acid change (glutamine 618 retained).
Molecular consequence: synonymous variant.
Genome position (GRCh38, 1-based): chr1:231,275,415, A>G. VCF-style: chr1-231275415-A-G. GRCh37 (hg19) VCF-style: chr1-231411161-A-G.
Other names: c.1671A>G, p.Gln557= (NM_001316350.2).
Identifiers: ClinVar variation 2640076 (VCV002640076.24), dbSNP rs1428484649, ClinGen allele CA423904174.